The following is an entry in ClinVar:

NM_002470.4(MYH3):c.3397A>G (p.Thr1133Ala)

Gene: MYH3 (myosin heavy chain 3; minus strand). Cytogenetic location: 17p13.1.
Variant type: single nucleotide variant.
Coding change: c.3397A>G on transcript NM_002470.4 (MANE Select); coding-DNA position 3397, A replaced by G.
Protein change: p.Thr1133Ala; replaces threonine 1133 with alanine.
Molecular consequence: missense variant.
Genome position (GRCh38, 1-based): chr17:10,638,375, T>C on the plus strand (A>G on the coding strand, the complement: MYH3 is on the minus strand). VCF-style: chr17-10638375-T-C. GRCh37 (hg19) VCF-style: chr17-10541692-T-C.
Other names: short protein forms T1133A.
Identifiers: ClinVar variation 3015713 (VCV003015713.3), dbSNP rs2508593860, ClinGen allele CA398152380.
Genomic context (GRCh38, chr17:10,638,375, plus strand): 5'-CCTCCAGCCGCTCGCTCAGCTCCTCCAGCTCCCGGGCATAGTCGCTGCGCTGTTTCTCTG[T>C]CTTCGCGCGGGTGGCCCTCTCCGCCTCTATCTCCTCTTCCAGCTCCTCAATTCGAGCCTG-3'
Protein context (NP_002461.2, residues 1123-1143): IEAERATRAK[Thr1133Ala]EKQRSDYARE

ClinVar aggregate classification (germline): Uncertain significance (1 of 4 stars; one submission).

Submission:

Labcorp Genetics (formerly Invitae), Labcorp
Classification: Uncertain significance. Last evaluated: 2023-07-03. Review status: criteria provided, single submitter. Criteria: Invitae Variant Classification Sherloc (09022015). Collection method: clinical testing. Allele origin: germline.
Comment: Advanced modeling of protein sequence and biophysical properties (such as structural, functional, and spatial information, amino acid conservation, physicochemical variation, residue mobility, and thermodynamic stability) performed at Invitae indicates that this missense variant is not expected to disrupt MYH3 protein function. In summary, the available evidence is currently insufficient to determine the role of this variant in disease. Therefore, it has been classified as a Variant of Uncertain Significance. This variant has not been reported in the literature in individuals affected with MYH3-related conditions. This variant is not present in population databases (gnomAD no frequency). This sequence change replaces threonine, which is neutral and polar, with alanine, which is neutral and non-polar, at codon 1133 of the MYH3 protein (p.Thr1133Ala).